The following is an entry in ClinVar:

NM_001291867.2(NHS):c.3907G>A (p.Val1303Ile)

Gene: NHS (NHS actin remodeling regulator; plus strand). Cytogenetic location: Xp22.13.
Variant type: single nucleotide variant.
Coding change: c.3907G>A on transcript NM_001291867.2 (MANE Select); coding-DNA position 3907, G replaced by A.
Protein change: p.Val1303Ile; replaces valine 1303 with isoleucine.
Molecular consequence: missense variant.
Genome position (GRCh38, 1-based): chrX:17,728,013, G>A. VCF-style: chrX-17728013-G-A. GRCh37 (hg19) VCF-style: chrX-17746133-G-A.
Other names: c.3376G>A, p.Val1126Ile (NM_001136024.4); c.3313G>A, p.Val1105Ile (NM_001291868.2); c.3568G>A, p.Val1190Ile (NM_001440780.1); c.3844G>A, p.Val1282Ile (NM_198270.4); short protein forms V1105I, V1126I, V1190I, V1282I, V1303I.
Identifiers: ClinVar variation 4529930 (VCV004529930.1).

ClinVar aggregate classification (germline): Uncertain significance (1 of 4 stars; one submission).

Submission:

GeneDx
Classification: Uncertain significance. Last evaluated: 2025-05-11. Review status: criteria provided, single submitter. Criteria: GeneDx Variant Classification Process June 2021. Collection method: clinical testing. Allele origin: germline. Affected: yes.
Comment: Not observed at significant frequency in large population cohorts (gnomAD); In silico analysis suggests that this missense variant does not alter protein structure/function; Has not been previously published as pathogenic or benign to our knowledge